The following is an entry in ClinVar:

NM_001374828.1(ARID1B):c.4691dup (p.His1564fs)

Gene: ARID1B (AT-rich interaction domain 1B; plus strand). Cytogenetic location: 6q25.3.
Variant type: Duplication.
Coding change: c.4691dup on transcript NM_001374828.1 (MANE Select); coding-DNA position 4691, one base duplicated (A; older notation c.4691dupA).
Protein change: p.His1564fs; shifts the reading frame from histidine 1564.
Molecular consequence: frameshift variant.
Genome position (GRCh38, 1-based): chr6:157,200,916, A duplicated. VCF-style (leftmost placement, unchanged base first): chr6-157200915-C-CA. GRCh37 (hg19) VCF-style: chr6-157522049-C-CA.
Other names: c.4322dup, p.His1441fs (NM_020732.3); c.4322dupA (NM_020732.3); c.2192dup, p.His731fs (NM_001363725.2); c.4571dup, p.His1524fs (NM_001371656.1, NM_001374820.1); c.4532dup, p.His1511fs (NM_017519.3); short protein forms H1441fs, H731fs, H1511fs, H1524fs, H1564fs.
Identifiers: ClinVar variation 280216 (VCV000280216.4), dbSNP rs886041463, ClinGen allele CA10602993.

ClinVar aggregate classification (germline): Pathogenic (1 of 4 stars; one submission).

Submission:

GeneDx
Classification: Pathogenic. Last evaluated: 2020-06-22. Review status: criteria provided, single submitter. Criteria: GeneDx Variant Classification Process June 2021. Collection method: clinical testing. Allele origin: germline. Affected: yes.
Comment: Has not been previously published as pathogenic or benign to our knowledge; Not observed in large population cohorts (Lek et al., 2016); Frameshift variant predicted to result in protein truncation or nonsense mediated decay in a gene for which loss-of-function is a known mechanism of disease